The following is an entry in ClinVar:

NM_001130987.2(DYSF):c.2697+1G>T

Gene: DYSF (dysferlin; plus strand). Cytogenetic location: 2p13.2.
Variant type: single nucleotide variant.
Coding change: c.2697+1G>T on transcript NM_001130987.2 (MANE Select); the canonical splice donor site of the intron after coding-DNA position 2697, G replaced by T.
Molecular consequence: splice donor variant.
Genome position (GRCh38, 1-based): chr2:71,568,083, G>T. VCF-style: chr2-71568083-G-T. GRCh37 (hg19) VCF-style: chr2-71795213-G-T.
Other names: c.2736+1G>T (NM_001130979.2); c.2694+1G>T (NM_001130981.2, NM_001130980.2); c.2643+1G>T (NM_001130978.2, NM_003494.4); c.2601+1G>T (NM_001130977.2, NM_001130976.2); c.2739+1G>T (NM_001130982.2); c.2697+1G>T (NM_001130985.2); c.2646+1G>T (NM_001130983.2, NM_001130455.2); c.2604+1G>T (NM_001130984.2, NM_001130986.2).
Identifiers: ClinVar variation 4815136 (VCV004815136.1).

ClinVar aggregate classification (germline): Likely pathogenic (1 of 4 stars; one submission).

Conditions:
Autosomal recessive limb-girdle muscular dystrophy type 2B (LGMDR2). Also called: MUSCULAR DYSTROPHY, LIMB-GIRDLE, TYPE 3; MUSCULAR DYSTROPHY, LIMB-GIRDLE, AUTOSOMAL RECESSIVE 2; Limb-Girdle Muscular Dystrophy Type 2B (LGMD2B); Limb-girdle muscular dystrophy, type 2B. Identifiers: Orphanet 268, MedGen C1850889, MONDO:0009676, OMIM 253601.

Submission:

Natera, Inc.
Classification: Likely pathogenic for Limb-girdle muscular dystrophy type 2B. Last evaluated: 2024-07-15. Review status: criteria provided, single submitter. Criteria: Natera Variant Classification Schema (03/2026). Collection method: clinical testing. Allele origin: germline.
Comment: The c.2643+1G>T variant in DYSF is a canonical splice donor site variant predicted to affect pre-mRNA splicing, which may result in an abnormal transcript and altered protein product. This variant may result in a truncated or dysfunctional protein product. This variant is rare in the general population with a frequency below the threshold expected for the associated phenotype(s). Another variant at this same site results in an alteration predicted to cause a similar molecular effect has been observed in individual(s) with the associated phenotype. Given the available evidence, this variant is classified as Likely Pathogenic.